The following is an entry in ClinVar:

NM_015374.3(SUN2):c.1090G>C (p.Ala364Pro)

Genes: GTPBP1 (GTP binding protein 1; plus strand), SUN2 (Sad1 and UNC84 domain containing 2; minus strand). Cytogenetic location: 22q13.1.
Variant type: single nucleotide variant.
Coding change: c.1090G>C on transcript NM_015374.3 (MANE Select); coding-DNA position 1090, G replaced by C.
Protein change: p.Ala364Pro; replaces alanine 364 with proline.
Molecular consequence: missense variant. On other transcripts: intron variant (3).
Genome position (GRCh38, 1-based): chr22:38,741,550, C>G on the plus strand (G>C on the coding strand, the complement: SUN2 is on the minus strand). VCF-style: chr22-38741550-C-G. GRCh37 (hg19) VCF-style: chr22-39137555-C-G.
Other names: c.1153G>C, p.Ala385Pro (NM_001199579.2, NM_001394428.1); c.1090G>C, p.Ala364Pro (NM_001199580.2, NM_001394431.1, NM_001394432.1 and 5 more transcripts); c.1183G>C, p.Ala395Pro (NM_001394427.1); c.1135G>C, p.Ala379Pro (NM_001394429.1, NM_001394430.1); c.1000G>C, p.Ala334Pro (NM_001394438.1); c.952G>C, p.Ala318Pro (NM_001394439.1, NM_001394440.1, NM_001394441.1); c.598G>C, p.Ala200Pro (NM_001394443.1); c.615-1118G>C (NM_001394444.1, NM_001394445.1); and 1 more; short protein forms A200P, A318P, A334P, A395P, A379P, A385P, A364P.
Identifiers: ClinVar variation 1499709 (VCV001499709.8), dbSNP rs2145970738, ClinGen allele CA411585087.

ClinVar aggregate classification (germline): Uncertain significance (1 of 4 stars; one submission).

Conditions:
Emery-Dreifuss muscular dystrophy (EDMD). Also called: Scapuloperoneal syndrome, X-linked (formerly); Humeroperoneal neuromuscular disease, (formerly). Identifiers: Orphanet 261, MedGen C0410189, MONDO:0016830.

Submission:

Labcorp Genetics (formerly Invitae), Labcorp
Classification: Uncertain significance for Emery-Dreifuss muscular dystrophy. Last evaluated: 2021-05-30. Review status: criteria provided, single submitter. Criteria: Invitae Variant Classification Sherloc (09022015). Collection method: clinical testing. Allele origin: germline.
Comment: In summary, the available evidence is currently insufficient to determine the role of this variant in disease. Therefore, it has been classified as a Variant of Uncertain Significance. Algorithms developed to predict the effect of missense changes on protein structure and function are either unavailable or do not agree on the potential impact of this missense change (SIFT: "Tolerated"; PolyPhen-2: "Possibly Damaging"; Align-GVGD: "Class C0"). This variant has not been reported in the literature in individuals with SUN2-related conditions. This variant is not present in population databases (ExAC no frequency). This sequence change replaces alanine with proline at codon 364 of the SUN2 protein (p.Ala364Pro). The alanine residue is weakly conserved and there is a small physicochemical difference between alanine and proline.